The following is an entry in ClinVar:

ClinVar aggregate classification (germline): Uncertain significance. Review status: criteria provided, multiple submitters, no conflicts (2 of 4 stars). 2 submissions from 2 submitters: Uncertain significance (2). Last evaluated 2025-04-19.

Allele frequency attached by ClinVar (database versions not stated): ExAC 0.00001; gnomAD 0.00001; gnomAD exomes 0.00002; TOPMed 0.00002.

Submissions (2):

Ambry Genetics
Classification: Uncertain significance. Last evaluated: 2025-04-19. Review status: criteria provided, single submitter. Criteria: Ambry Variant Classification Scheme 2023. Collection method: clinical testing. Allele origin: germline.

Labcorp Genetics (formerly Invitae), Labcorp
Classification: Uncertain significance. Last evaluated: 2024-10-09. Review status: criteria provided, single submitter. Criteria: Invitae Variant Classification Sherloc (09022015). Collection method: clinical testing. Allele origin: germline.
Comment: This sequence change replaces arginine, which is basic and polar, with glutamine, which is neutral and polar, at codon 568 of the MICAL1 protein (p.Arg568Gln). This variant is present in population databases (rs779284785, gnomAD 0.003%). This variant has not been reported in the literature in individuals affected with MICAL1-related conditions. ClinVar contains an entry for this variant (Variation ID: 1929002). An algorithm developed to predict the effect of missense changes on protein structure and function (PolyPhen-2) suggests that this variant is likely to be tolerated. In summary, the available evidence is currently insufficient to determine the role of this variant in disease. Therefore, it has been classified as a Variant of Uncertain Significance.

NM_022765.4(MICAL1):c.1646G>A (p.Arg549Gln)

Gene: MICAL1 (microtubule associated monooxygenase, calponin and LIM domain containing 1; minus strand). Cytogenetic location: 6q21.
Variant type: single nucleotide variant.
Coding change: c.1646G>A on transcript NM_022765.4 (MANE Select); coding-DNA position 1646, G replaced by A.
Protein change: p.Arg549Gln; replaces arginine 549 with glutamine.
Molecular consequence: missense variant.
Genome position (GRCh38, 1-based): chr6:109,448,750, C>T on the plus strand (G>A on the coding strand, the complement: MICAL1 is on the minus strand). VCF-style: chr6-109448750-C-T. GRCh37 (hg19) VCF-style: chr6-109769953-C-T.
Other names: c.1388G>A, p.Arg463Gln (NM_001159291.2); c.1703G>A, p.Arg568Gln (NM_001286613.2); c.1646G>A (NM_022765.3); short protein forms R549Q, R568Q, R463Q.
Identifiers: ClinVar variation 1929002 (VCV001929002.6), dbSNP rs779284785, ClinGen allele CA3953270.